The following is an entry in ClinVar:

ClinVar aggregate classification (germline): Benign. Review status: criteria provided, multiple submitters, no conflicts (2 of 4 stars). 6 submissions from 5 submitters: Benign (5). 1 of the submissions does not count toward it. Last evaluated 2021-07-22.

Conditions:
CHARGE syndrome (CHARGE). Also called: CHARGE ASSOCIATION--COLOBOMA, HEART ANOMALY, CHOANAL ATRESIA, RETARDATION, GENITAL AND EAR ANOMALIES; Hittner Hirsch Kreh syndrome; Coloboma, heart anomaly, choanal atresia, retardation, genital and ear anomalies; CHARGE association; Hall-Hittner syndrome. Identifiers: Orphanet 138, MedGen C0265354, MONDO:0008965.
Hypogonadotropic hypogonadism 5 with or without anosmia (KAL5). Also called: HYPOGONADOTROPIC HYPOGONADISM 5 WITH ANOSMIA; HYPOGONADOTROPHIC HYPOGONADISM 5 WITHOUT ANOSMIA; CHD7-Related GnRH Deficiency (Kallmann Syndrome 5). Identifiers: Orphanet 478, MedGen C3552553, MONDO:0012880, OMIM 612370. Disease mechanism: loss of function.

Allele frequency attached by ClinVar (database versions not stated): gnomAD 0.79951 and 0.79408; ExAC 0.82588; 1000 Genomes Project 0.85284; gnomAD exomes 0.81736; 1000 Genomes Project 30x 0.84619; ESP Exome Variant Server 0.77990; TOPMed 0.79133.
gnomAD v4.1: 1,012,891 of 1,283,818 alleles (79%); highest among the groups gnomAD compares: East Asian, 94%; 401,297 homozygotes.

Submissions (6):

Genome-Nilou Lab
Classification: Benign for CHD7-related CHARGE syndrome. Last evaluated: 2021-07-22. Review status: criteria provided, single submitter. Criteria: ACMG Guidelines, 2015. Collection method: clinical testing. Allele origin: germline. Affected: no.

Genome-Nilou Lab
Classification: Benign for Hypogonadotropic hypogonadism 5 with or without anosmia. Last evaluated: 2021-07-22. Review status: criteria provided, single submitter. Criteria: ACMG Guidelines, 2015. Collection method: clinical testing. Allele origin: germline. Affected: no.

GeneDx
Classification: Benign. Last evaluated: 2015-03-03. Review status: criteria provided, single submitter. Criteria: GeneDx Variant Classification Process June 2021. Collection method: clinical testing. Allele origin: germline. Affected: yes.

Breakthrough Genomics
Classification: Benign. Review status: criteria provided, single submitter. Criteria: ACMG Guidelines, 2015. Collection method: not provided. Allele origin: germline. Inheritance: Autosomal dominant inheritance. Affected: yes.

PreventionGenetics, part of Exact Sciences
Classification: Benign. Review status: criteria provided, single submitter. Criteria: ACMG Guidelines, 2015. Collection method: clinical testing. Allele origin: germline.

Genetic Services Laboratory, University of Chicago
Classification: Likely benign. Review status: no assertion criteria provided. Collection method: clinical testing. Allele origin: germline. Inheritance: Autosomal dominant inheritance. Not counted in ClinVar's aggregate classification.
Comment: Likely benign based on allele frequency in 1000 Genomes Project or ESP global frequency and its presence in a patient with a rare or unrelated disease phenotype. NOT Sanger confirmed

NM_017780.4(CHD7):c.2614-45A>G

Gene: CHD7 (chromodomain helicase DNA binding protein 7; plus strand). Cytogenetic location: 8q12.2.
Variant type: single nucleotide variant.
Coding change: c.2614-45A>G on transcript NM_017780.4 (MANE Select); 45 bases into the intron before coding-DNA position 2614, A replaced by G.
Molecular consequence: intron variant.
Genome position (GRCh38, 1-based): chr8:60,819,962, A>G. VCF-style: chr8-60819962-A-G. GRCh37 (hg19) VCF-style: chr8-61732521-A-G.
Other names: c.1716+38912A>G (NM_001316690.1).
Identifiers: ClinVar variation 158326 (VCV000158326.14), dbSNP rs6471902, ClinGen allele CA171775.